The following is an entry in ClinVar:

ClinVar aggregate classification (germline): Pathogenic. Review status: criteria provided, multiple submitters, no conflicts (2 of 4 stars). 13 submissions from 13 submitters: Pathogenic (10). 3 of the submissions do not count toward it. Last evaluated 2026-01-13.

Conditions:
Autosomal recessive limb-girdle muscular dystrophy type 2A (LGMDR1). Also called: Muscular dystrophy, limb-girdle, type 2A, Amish; MUSCULAR DYSTROPHY, PELVOFEMORAL; Calpainopathy; Limb-girdle muscular dystrophy, type 2A; LEYDEN-MOEBIUS MUSCULAR DYSTROPHY. Identifiers: Orphanet 267, MedGen C1869123, MONDO:0009675, OMIM 253600. Disease mechanism: loss of function.
Muscular dystrophy, limb-girdle, autosomal dominant 4. Also called: Calpain-3-related limb-girdle muscular dystrophy D4; MUSCULAR DYSTROPHY, LIMB-GIRDLE, TYPE 1I. Identifiers: Orphanet 565909, MedGen C4748295, MONDO:0029133, OMIM 618129.

Allele frequency attached by ClinVar (database versions not stated): gnomAD exomes 0.00001; ExAC 0.00002.
gnomAD v4.1: 6 of 1,614,196 alleles (0.00037%); highest among the groups gnomAD compares: South Asian, 0.0055%; no homozygotes.

Submissions (13):

Labcorp Genetics (formerly Invitae), Labcorp
Classification: Pathogenic for Autosomal recessive limb-girdle muscular dystrophy type 2A. Last evaluated: 2026-01-13. Review status: criteria provided, single submitter. Criteria: Invitae Variant Classification Sherloc (09022015). Collection method: clinical testing. Allele origin: germline.
Comment: This sequence change replaces aspartic acid, which is acidic and polar, with histidine, which is basic and polar, at codon 780 of the CAPN3 protein (p.Asp780His). This variant is present in population databases (rs778768583, gnomAD 0.003%). This missense change has been observed in individuals with autosomal recessive limb-girdle muscular dystrophy (PMID: 15733273, 23666804, 25079074, 27011640). It is commonly reported in individuals of Agarwal North Indian ancestry (PMID: 15733273, 23666804, 25079074, 27011640). ClinVar contains an entry for this variant (Variation ID: 195641). Invitae Evidence Modeling of protein sequence and biophysical properties (such as structural, functional, and spatial information, amino acid conservation, physicochemical variation, residue mobility, and thermodynamic stability) has been performed for this missense variant. However, the output from this modeling did not meet the statistical confidence thresholds required to predict the impact of this variant on CAPN3 protein function. For these reasons, this variant has been classified as Pathogenic.

Natera, Inc.
Classification: Pathogenic for Limb-girdle muscular dystrophy type 2A. Last evaluated: 2025-09-26. Review status: criteria provided, single submitter. Criteria: Natera Variant Classification Schema (03/2026). Collection method: clinical testing. Allele origin: germline.
Comment: The c.2338G>C variant in CAPN3 is a missense variant predicted to cause substitution of aspartic acid to histidine at amino acid 780. This variant is rare in the general population with a frequency below the threshold expected for the associated phenotype(s). This variant has been observed in one or more individuals affected with the associated recessive disease, as either homozygous or compound heterozygous with a second variant (PMID: 21386772, 35723113). Given the available evidence, this variant is classified as Pathogenic.

Revvity Omics, Revvity
Classification: Pathogenic. Last evaluated: 2025-05-27. Review status: criteria provided, single submitter. Criteria: ACMG Guidelines, 2015. Collection method: clinical testing. Allele origin: germline.

Fulgent Genetics
Classification: Pathogenic for Autosomal recessive limb-girdle muscular dystrophy type 2A; Muscular dystrophy, limb-girdle, autosomal dominant 4. Last evaluated: 2024-04-05. Review status: criteria provided, single submitter. Criteria: ACMG Guidelines, 2015. Collection method: clinical testing. Allele origin: germline.

Baylor Genetics
Classification: Pathogenic for Muscular dystrophy, limb-girdle, autosomal dominant 4. Last evaluated: 2024-03-07. Review status: criteria provided, single submitter. Criteria: ACMG Guidelines, 2015. Collection method: clinical testing. Allele origin: unknown.

Neuberg Centre For Genomic Medicine, NCGM
Classification: Pathogenic for Autosomal recessive limb-girdle muscular dystrophy type 2A. Last evaluated: 2024-02-01. Review status: criteria provided, single submitter. Criteria: ACMG Guidelines, 2015. Collection method: clinical testing. Allele origin: germline. Inheritance: Autosomal recessive inheritance.
Comment: The above variant has been previously reported in homozygous state in individual(s) affected with limb girdle muscular dystropy and this is a founder mutation in agarwal community (Khadilkar SV, et al 2016).

GeneDx
Classification: Pathogenic. Last evaluated: 2023-12-18. Review status: criteria provided, single submitter. Criteria: GeneDx Variant Classification Process June 2021. Collection method: clinical testing. Allele origin: germline. Affected: yes.
Comment: Not observed at significant frequency in large population cohorts (gnomAD); In silico analysis supports that this missense variant has a deleterious effect on protein structure/function; This variant is associated with the following publications: (PMID: 21386772, 15733273, 23666804, 25079074, 27011640, 33337384, 33250842, 31069529, 35169782, 35723113)

Broad Center for Mendelian Genomics, Broad Institute of MIT and Harvard
Classification: Pathogenic for Autosomal recessive limb-girdle muscular dystrophy type 2A. Last evaluated: 2018-12-03. Review status: criteria provided, single submitter. Criteria: ACMG Guidelines, 2015. Collection method: research. Allele origin: germline. Inheritance: Autosomal recessive inheritance. Affected: yes.
Comment: This variant has been identified in 0.0008124% (2/246172) of chromosomes by the Genome Aggregation Database (gnomAD; dbSNP rs778768583). Although this variant has been seen in the general population, its frequency is low enough to be consistent with a recessive carrier frequency. Computational prediction tools and conservation analyses suggest that this variant may impact the protein, though this information is not predictive enough to determine pathogenicity. The variant is located in the well-established functional domain EF-hand 4, a domain involved in protein homodimerization (PMID: 24846670). In vitro functional studies with muscle biopsies provide some evidence that the p.Asp780His variant may impact protein function by reducing translation and autolytic activity (PMID: 25079074). However, these types of assays may not accurately represent biological function. The p.Asp780His variant in CAPN3 has been reported in 7 Indian Agarwal individuals with LGMD and is a known founder mutation in the Indian Agarwal community (PMID: 23666804). The presence of this variant in combination with a pathogenic variant by our study as well as a splice site variant in 5 individuals with LGMD increases the likelihood that the p.Asp780His variant is pathogenic (PMID: 23666804). This variant has also been reported pathogenic and likely pathogenic in ClinVar (Variation ID: 195641). In summary, this variant meets criteria to be classified as pathogenic for LGMD in an autosomal recessive manner based on its location in a well-established functional domain and multiple occurrences with other CAPN3 variants. ACMG/AMP Criteria applied: PM2, PP3, PM1, PS3_Supporting, PM3_Strong (Richards 2015).

Athena Diagnostics
Classification: Pathogenic. Last evaluated: 2017-04-17. Review status: criteria provided, single submitter. Criteria: Athena Diagnostics Criteria. Collection method: clinical testing. Allele origin: germline.

Eurofins Ntd Llc (ga)
Classification: Pathogenic. Last evaluated: 2016-09-02. Review status: criteria provided, single submitter. Criteria: EGL Classification Definitions 2015. Collection method: clinical testing. Allele origin: germline. Observed: 5 variant alleles, 3 heterozygotes, 2 homozygotes.

Foundation for Research in Genetics and Endocrinology, FRIGE's Institute of Human Genetics
Classification: Pathogenic for Autosomal recessive limb-girdle muscular dystrophy type 2A. Last evaluated: 2018-09-18. Review status: no assertion criteria provided. Collection method: clinical testing. Allele origin: germline. Inheritance: Autosomal recessive inheritance. Affected: yes. Observed: 1 compound heterozygote. Not counted in ClinVar's aggregate classification.
Comment: The observed variant c.2338G>C (p.Asp780His) has not been reported in 1000 Genomes and has a minor allele frequency of 0.002% in the ExAC databases. The In silico prediction of the given variant is probably damaging by PolyPhen-2 and damaging by MutationTaster2 and SIFT. The above variant was observed as compound heterozygous along with the variant g.50431G>T (3'splice site). The variant g.50431G>T (3'splice site) has not been reported in 1000 Genomes and ExAC databases. The in silico prediction of the given variant is damaging by MutationTaster2.

Counsyl
Classification: Likely pathogenic for Autosomal recessive limb-girdle muscular dystrophy type 2A. Last evaluated: 2017-02-08. Review status: no assertion criteria provided. Collection method: clinical testing. Allele origin: unknown. Not counted in ClinVar's aggregate classification.

GeneReviews
No classification provided. Condition: Autosomal recessive limb-girdle muscular dystrophy type 2A. Review status: no classification provided. Collection method: literature only. Allele origin: germline. Not counted in ClinVar's aggregate classification.

Literature cited by the submitters: PubMed 15733273 (cited by 3 submitters); PubMed 23666804 (cited by 5 submitters); PubMed 25079074 (cited by 3 submitters); PubMed 27011640 (cited by Labcorp Genetics (formerly Invitae), Labcorp and Athena Diagnostics); PubMed 21386772 (cited by 3 submitters); PubMed 35723113 (cited by Natera, Inc.); PubMed 24846670 (cited by Broad Center for Mendelian Genomics, Broad Institute of MIT and Harvard); NCBI Bookshelf NBK1313 (cited by GeneReviews).

NM_000070.3(CAPN3):c.2338G>C (p.Asp780His)

Gene: CAPN3 (calpain 3; plus strand). Cytogenetic location: 15q15.1.
Variant type: single nucleotide variant.
Coding change: c.2338G>C on transcript NM_000070.3 (MANE Select); coding-DNA position 2338, G replaced by C.
Protein change: p.Asp780His; replaces aspartic acid 780 with histidine.
Molecular consequence: missense variant.
Genome position (GRCh38, 1-based): chr15:42,410,958, G>C. VCF-style: chr15-42410958-G-C. GRCh37 (hg19) VCF-style: chr15-42703156-G-C.
Other names: c.[2338G>C] (NM_000070.3); c.2320G>C, p.Asp774His (NM_024344.2); c.2062G>C, p.Asp688His (NM_173087.2); c.802G>C, p.Asp268His (NM_173088.2); c.343G>C, p.Asp115His (NM_173089.2, NM_173090.2); short protein forms D780H, D774H, D115H, D268H, D688H.
Identifiers: ClinVar variation 195641 (VCV000195641.37), dbSNP rs778768583, ClinGen allele CA346865.